The following is an entry in ClinVar:

NM_004329.3(BMPR1A):c.650G>T (p.Gly217Val)

Gene: BMPR1A (bone morphogenetic protein receptor type 1A; plus strand). Cytogenetic location: 10q23.2.
Variant type: single nucleotide variant.
Coding change: c.650G>T on transcript NM_004329.3 (MANE Select); coding-DNA position 650, G replaced by T.
Protein change: p.Gly217Val; replaces glycine 217 with valine.
Molecular consequence: missense variant.
Genome position (GRCh38, 1-based): chr10:86,912,359, G>T. VCF-style: chr10-86912359-G-T. GRCh37 (hg19) VCF-style: chr10-88672116-G-T.
Other names: c.725G>T, p.Gly242Val (NM_001406559.1); c.698G>T, p.Gly233Val (NM_001406560.1); c.650G>T, p.Gly217Val (NM_001406561.1, NM_001406562.1, NM_001406563.1 and 20 more transcripts); c.566G>T, p.Gly189Val (NM_001406584.1, NM_001406585.1, NM_001406586.1 and 2 more transcripts); short protein forms G217V, G242V, G189V, G233V.
Identifiers: ClinVar variation 2125303 (VCV002125303.5), dbSNP rs1843504054, ClinGen allele CA377455077.
Genomic context (GRCh38, chr10:86,912,359, plus strand): 5'-AAGCATTTATTCCAGTTGGAGAATCACTAAAAGACCTTATTGACCAGTCACAAAGTTCTG[G>T]TAGTGGGTCTGGACTACCTTTATTGGTAAGTTAAACGTTCCTATAGACATGAATGGTGTG-3'
Protein context (NP_004320.2, residues 207-227): KDLIDQSQSS[Gly217Val]SGSGLPLLVQ

ClinVar aggregate classification (germline): Uncertain significance. Review status: criteria provided, multiple submitters, no conflicts (2 of 4 stars). 2 submissions from 2 submitters: Uncertain significance (2). Last evaluated 2026-07-01.

Conditions:
Juvenile polyposis syndrome (JPS). Identifiers: Orphanet 2929, MedGen C0345893, MONDO:0017380, OMIM 174900.
Hereditary cancer-predisposing syndrome. Also called: Tumor predisposition; Hereditary Cancer Syndrome; Hereditary neoplastic syndrome; Neoplastic Syndromes, Hereditary. Identifiers: Orphanet 140162, MedGen C0027672, MeSH D009386, MONDO:0015356.

Allele frequency attached by ClinVar (database versions not stated): gnomAD exomes below 0.00001; TOPMed below 0.00001.
gnomAD v4.1: 1 of 1,614,022 alleles (0.000062%); highest among the groups gnomAD compares: Non-Finnish European, 0.000085%; no homozygotes.

Submissions (2):

Ambry Genetics
Classification: Uncertain significance for Hereditary cancer-predisposing syndrome. Last evaluated: 2026-07-01. Review status: criteria provided, single submitter. Criteria: Ambry Variant Classification Scheme 2023. Collection method: clinical testing. Allele origin: germline.
Comment: The p.G217V variant (also known as c.650G>T), located in coding exon 6 of the BMPR1A gene, results from a G to T substitution at nucleotide position 650. The glycine at codon 217 is replaced by valine, an amino acid with dissimilar properties. This amino acid position is conserved. In addition, this alteration is predicted to be deleterious by in silico analysis. Based on the available evidence, the clinical significance of this variant remains unclear.

Labcorp Genetics (formerly Invitae), Labcorp
Classification: Uncertain significance for Juvenile polyposis syndrome. Last evaluated: 2025-03-18. Review status: criteria provided, single submitter. Criteria: Invitae Variant Classification Sherloc (09022015). Collection method: clinical testing. Allele origin: germline.
Comment: This sequence change replaces glycine, which is neutral and non-polar, with valine, which is neutral and non-polar, at codon 217 of the BMPR1A protein (p.Gly217Val). This variant is not present in population databases (gnomAD no frequency). This variant has not been reported in the literature in individuals affected with BMPR1A-related conditions. ClinVar contains an entry for this variant (Variation ID: 2125303). Invitae Evidence Modeling of protein sequence and biophysical properties (such as structural, functional, and spatial information, amino acid conservation, physicochemical variation, residue mobility, and thermodynamic stability) indicates that this missense variant is expected to disrupt BMPR1A protein function with a positive predictive value of 80%. In summary, the available evidence is currently insufficient to determine the role of this variant in disease. Therefore, it has been classified as a Variant of Uncertain Significance.